The following is an entry in ClinVar:

NM_005334.3(HCFC1):c.797+7G>T

Gene: HCFC1 (host cell factor C1; minus strand). Cytogenetic location: Xq28.
Variant type: single nucleotide variant.
Coding change: c.797+7G>T on transcript NM_005334.3 (MANE Select); 7 bases into the intron after coding-DNA position 797, G replaced by T.
Molecular consequence: intron variant.
Genome position (GRCh38, 1-based): chrX:153,962,215, C>A on the plus strand (G>T on the coding strand, the complement: HCFC1 is on the minus strand). VCF-style: chrX-153962215-C-A. GRCh37 (hg19) VCF-style: chrX-153227666-C-A.
Other names: c.797+7G>T (NM_001410705.1).
Identifiers: ClinVar variation 3389757 (VCV003389757.14).

ClinVar aggregate classification (germline): Uncertain significance (1 of 4 stars; one submission).

Submission:

CeGaT Center for Human Genetics Tuebingen
Classification: Uncertain significance. Last evaluated: 2024-09-01. Review status: criteria provided, single submitter. Criteria: CeGaT Center For Human Genetics Tuebingen Variant Classification Criteria Version 2. Collection method: clinical testing. Allele origin: germline. Affected: yes. Observed: 1 variant allele.
Comment: HCFC1: PM2, BP4